The following is an entry in ClinVar:

NM_001035.3(RYR2):c.2005C>T (p.Gln669Ter)

Gene: RYR2 (ryanodine receptor 2; plus strand). Cytogenetic location: 1q43.
Variant type: single nucleotide variant.
Coding change: c.2005C>T on transcript NM_001035.3 (MANE Select); coding-DNA position 2005, C replaced by T.
Protein change: p.Gln669Ter; replaces glutamine 669 with a stop codon.
Molecular consequence: nonsense.
Genome position (GRCh38, 1-based): chr1:237,496,554, C>T. VCF-style: chr1-237496554-C-T. GRCh37 (hg19) VCF-style: chr1-237659854-C-T.
Other names: short protein forms Q669*.
Identifiers: ClinVar variation 3726483 (VCV003726483.2).

ClinVar aggregate classification (germline): Uncertain significance (1 of 4 stars; one submission).

Conditions:
Catecholaminergic polymorphic ventricular tachycardia 1. Also called: RYR2-Related Catecholaminergic Polymorphic Ventricular Tachycardia; VENTRICULAR TACHYCARDIA, CATECHOLAMINERGIC POLYMORPHIC, 1, WITH OR WITHOUT ATRIAL DYSFUNCTION AND/OR DILATED CARDIOMYOPATHY; VENTRICULAR TACHYCARDIA, STRESS-INDUCED POLYMORPHIC 1. Identifiers: Orphanet 3286, MedGen C1631597, MONDO:0011484, OMIM 604772.

Submission:

Labcorp Genetics (formerly Invitae), Labcorp
Classification: Uncertain significance for Catecholaminergic polymorphic ventricular tachycardia 1. Last evaluated: 2024-12-02. Review status: criteria provided, single submitter. Criteria: Invitae Variant Classification Sherloc (09022015). Collection method: clinical testing. Allele origin: germline.
Comment: This sequence change creates a premature translational stop signal (p.Gln669*) in the RYR2 gene. It is expected to result in an absent or disrupted protein product. However, the current clinical and genetic evidence is not sufficient to establish whether loss-of-function variants in RYR2 cause disease. This variant is not present in population databases (gnomAD no frequency). This variant has not been reported in the literature in individuals affected with RYR2-related conditions. Algorithms developed to predict the effect of sequence changes on RNA splicing suggest that this variant may disrupt the consensus splice site. In summary, the available evidence is currently insufficient to determine the role of this variant in disease. Therefore, it has been classified as a Variant of Uncertain Significance.